The following is an entry in ClinVar:

NM_004523.4(KIF11):c.2069A>G (p.Gln690Arg)

Gene: KIF11 (kinesin family member 11; plus strand). Cytogenetic location: 10q23.33.
Variant type: single nucleotide variant.
Coding change: c.2069A>G on transcript NM_004523.4 (MANE Select); coding-DNA position 2069, A replaced by G.
Protein change: p.Gln690Arg; replaces glutamine 690 with arginine.
Molecular consequence: missense variant.
Genome position (GRCh38, 1-based): chr10:92,637,454, A>G. VCF-style: chr10-92637454-A-G. GRCh37 (hg19) VCF-style: chr10-94397211-A-G.
Other names: short protein forms Q690R.
Identifiers: ClinVar variation 2042985 (VCV002042985.4), dbSNP rs765160571, ClinGen allele CA5604321.

ClinVar aggregate classification (germline): Uncertain significance (1 of 4 stars; one submission).

Allele frequency attached by ClinVar (database versions not stated): ExAC 0.00001; gnomAD 0.00001; TOPMed 0.00001.
gnomAD v4.1: 4 of 1,605,290 alleles (0.00025%); highest among the groups gnomAD compares: East Asian, 0.0067%; no homozygotes.

Submission:

Labcorp Genetics (formerly Invitae), Labcorp
Classification: Uncertain significance. Last evaluated: 2023-07-17. Review status: criteria provided, single submitter. Criteria: Invitae Variant Classification Sherloc (09022015). Collection method: clinical testing. Allele origin: germline.
Comment: In summary, the available evidence is currently insufficient to determine the role of this variant in disease. Therefore, it has been classified as a Variant of Uncertain Significance. Advanced modeling of protein sequence and biophysical properties (such as structural, functional, and spatial information, amino acid conservation, physicochemical variation, residue mobility, and thermodynamic stability) performed at Invitae indicates that this missense variant is not expected to disrupt KIF11 protein function. ClinVar contains an entry for this variant (Variation ID: 2042985). This variant has not been reported in the literature in individuals affected with KIF11-related conditions. This variant is present in population databases (rs765160571, gnomAD 0.02%). This sequence change replaces glutamine, which is neutral and polar, with arginine, which is basic and polar, at codon 690 of the KIF11 protein (p.Gln690Arg).